The following is an entry in ClinVar:

ClinVar aggregate classification (germline): Uncertain significance (1 of 4 stars; one submission).

Conditions:
Joubert syndrome. Also called: Familial aplasia of the vermis; JOUBERT-BOLTSHAUSER SYNDROME. Identifiers: Orphanet 475, MedGen C5979921, MONDO:0018772.
Meckel-Gruber syndrome. Also called: Dysencephalia splachnocystica; DYSENCEPHALIA SPLANCHNOCYSTICA; GRUBER SYNDROME. Identifiers: Orphanet 564, MedGen C0265215, MONDO:0018921.

Allele frequency attached by ClinVar (database versions not stated): TOPMed below 0.00001; gnomAD 0.00003.
gnomAD v4.1: 7 of 1,613,790 alleles (0.00043%); highest among the groups gnomAD compares: African/African-American, 0.0093%; no homozygotes.

Submission:

Labcorp Genetics (formerly Invitae), Labcorp
Classification: Uncertain significance for Joubert syndrome; Meckel-Gruber syndrome. Last evaluated: 2022-05-27. Review status: criteria provided, single submitter. Criteria: Invitae Variant Classification Sherloc (09022015). Collection method: clinical testing. Allele origin: germline.
Comment: This sequence change replaces threonine, which is neutral and polar, with isoleucine, which is neutral and non-polar, at codon 846 of the CC2D2A protein (p.Thr846Ile). This variant is not present in population databases (gnomAD no frequency). This variant has not been reported in the literature in individuals affected with CC2D2A-related conditions. Advanced modeling of protein sequence and biophysical properties (such as structural, functional, and spatial information, amino acid conservation, physicochemical variation, residue mobility, and thermodynamic stability) performed at Invitae indicates that this missense variant is not expected to disrupt CC2D2A protein function. In summary, the available evidence is currently insufficient to determine the role of this variant in disease. Therefore, it has been classified as a Variant of Uncertain Significance.

NM_001378615.1(CC2D2A):c.2537C>T (p.Thr846Ile)

Genes: CC2D2A (coiled-coil and C2 domain containing 2A; plus strand), FBXL5 (F-box and leucine rich repeat protein 5; minus strand). Cytogenetic location: 4p15.32.
Variant type: single nucleotide variant.
Coding change: c.2537C>T on transcript NM_001378615.1 (MANE Select); coding-DNA position 2537, C replaced by T.
Protein change: p.Thr846Ile; replaces threonine 846 with isoleucine.
Molecular consequence: missense variant.
Genome position (GRCh38, 1-based): chr4:15,555,122, C>T. VCF-style: chr4-15555122-C-T. GRCh37 (hg19) VCF-style: chr4-15556745-C-T.
Other names: c.2537C>T, p.Thr846Ile (NM_001080522.2); c.2390C>T, p.Thr797Ile (NM_001378617.1); short protein forms T846I, T797I.
Identifiers: ClinVar variation 1985772 (VCV001985772.1), dbSNP rs534682728, ClinGen allele CA92544689.